The following is an entry in ClinVar:

ClinVar aggregate classification (germline): Likely benign. Review status: criteria provided, multiple submitters, no conflicts (2 of 4 stars). 3 submissions from 2 submitters: Likely benign (3). Last evaluated 2017-04-27.

Conditions:
Glaucoma 3A. Also called: Glaucoma 3, primary congenital, A. Identifiers: Orphanet 98976, Orphanet 98977, MedGen C1856439, MONDO:0009277, OMIM 231300.
Irido-corneo-trabecular dysgenesis (ASGD5). Also called: ANTERIOR SEGMENT DYSGENESIS 5. Identifiers: Orphanet 708, MedGen C0344559, MONDO:0011414, OMIM 604229, HP:0000659.

Allele frequency attached by ClinVar (database versions not stated): gnomAD exomes 0.00448; gnomAD 0.02135 and 0.02296; TOPMed 0.02447; 1000 Genomes Project 0.02476; 1000 Genomes Project 30x 0.02670.
gnomAD v4.1: 3,580 of 226,840 alleles (1.6%); highest among the groups gnomAD compares: African/African-American, 7.2%; 127 homozygotes.

Submissions (3):

Illumina Laboratory Services, Illumina
Classification: Likely benign for Irido-corneo-trabecular dysgenesis. Last evaluated: 2017-04-27. Review status: criteria provided, single submitter. Criteria: ICSL Variant Classification Criteria 13 December 2019. Collection method: clinical testing. Allele origin: germline.
Comment: This variant was observed as part of a predisposition screen in an ostensibly healthy population. A literature search was performed for the gene, cDNA change, and amino acid change (where applicable). No publications were found based on this search. Allele frequency data from public databases allowed determination this variant is unlikely to cause disease. Therefore, this variant is classified as likely benign.

Illumina Laboratory Services, Illumina
Classification: Likely benign for Glaucoma 3A. Last evaluated: 2017-04-27. Review status: criteria provided, single submitter. Criteria: ICSL Variant Classification Criteria 13 December 2019. Collection method: clinical testing. Allele origin: germline.
Comment: the same text as in the submission from Illumina Laboratory Services, Illumina above.

Breakthrough Genomics
Classification: Likely benign. Review status: criteria provided, single submitter. Criteria: ACMG Guidelines, 2015. Collection method: not provided. Allele origin: germline. Inheritance: Autosomal recessive inheritance. Affected: yes.

NM_000104.4(CYP1B1):c.*2371T>C

Gene: CYP1B1 (cytochrome P450 family 1 subfamily B member 1; minus strand). Cytogenetic location: 2p22.2.
Variant type: single nucleotide variant.
Coding change: c.*2371T>C on transcript NM_000104.4 (MANE Select); 2371 bases downstream of the stop codon, T replaced by C.
Molecular consequence: 3 prime UTR variant.
Genome position (GRCh38, 1-based): chr2:38,068,351, A>G on the plus strand (T>C on the coding strand, the complement: CYP1B1 is on the minus strand). VCF-style: chr2-38068351-A-G. GRCh37 (hg19) VCF-style: chr2-38295494-A-G.
Identifiers: ClinVar variation 335911 (VCV000335911.6), dbSNP rs9309020, ClinGen allele CA10615366.